The following is an entry in ClinVar:

NM_001127222.2(CACNA1A):c.3413A>G (p.Lys1138Arg)

Gene: CACNA1A (calcium voltage-gated channel subunit alpha1 A; minus strand). Cytogenetic location: 19p13.13.
Variant type: single nucleotide variant.
Coding change: c.3413A>G on transcript NM_001127222.2 (MANE Select); coding-DNA position 3413, A replaced by G.
Protein change: p.Lys1138Arg; replaces lysine 1138 with arginine.
Molecular consequence: missense variant.
Genome position (GRCh38, 1-based): chr19:13,286,643, T>C on the plus strand (A>G on the coding strand, the complement: CACNA1A is on the minus strand). VCF-style: chr19-13286643-T-C. GRCh37 (hg19) VCF-style: chr19-13397457-T-C.
Other names: c.3425A>G, p.Lys1142Arg (NM_000068.4, NM_023035.3); c.3416A>G, p.Lys1139Arg (NM_001127221.2, NM_001174080.2); short protein forms K1139R, K1138R, K1142R.
Identifiers: ClinVar variation 391247 (VCV000391247.7), dbSNP rs746555911, ClinGen allele CA16607728.

ClinVar aggregate classification (germline): Uncertain significance. Review status: criteria provided, multiple submitters, no conflicts (2 of 4 stars). 2 submissions from 2 submitters: Uncertain significance (2). Last evaluated 2022-09-01.

Conditions:
Episodic ataxia type 2 (EA2). Also called: ATAXIA, EPISODIC, WITH NYSTAGMUS; ATAXIA, FAMILIAL PAROXYSMAL; CEREBELLAR ATAXIA, PAROXYSMAL, ACETAZOLAMIDE-RESPONSIVE; CEREBELLOPATHY, HEREDITARY PAROXYSMAL; ACETAZOLAMIDE-RESPONSIVE HEREDITARY PAROXYSMAL CEREBELLAR ATAXIA; EPISODIC ATAXIA, NYSTAGMUS-ASSOCIATED. Identifiers: Orphanet 97, MedGen C1720416, MONDO:0007163, OMIM 108500.
Developmental and epileptic encephalopathy, 42 (DEE42A). Also called: DEVELOPMENTAL AND EPILEPTIC ENCEPHALOPATHY 42A; EPILEPTIC ENCEPHALOPATHY, EARLY INFANTILE, 42A; Epileptic encephalopathy, early infantile, 42. Identifiers: MedGen C4310716, MONDO:0014917, OMIM 617106.

Submissions (2):

Labcorp Genetics (formerly Invitae), Labcorp
Classification: Uncertain significance for Developmental and epileptic encephalopathy, 42; Episodic ataxia type 2. Last evaluated: 2022-09-01. Review status: criteria provided, single submitter. Criteria: Invitae Variant Classification Sherloc (09022015). Collection method: clinical testing. Allele origin: germline.
Comment: This variant has not been reported in the literature in individuals affected with CACNA1A-related conditions. In summary, the available evidence is currently insufficient to determine the role of this variant in disease. Therefore, it has been classified as a Variant of Uncertain Significance. Algorithms developed to predict the effect of sequence changes on RNA splicing suggest that this variant may create or strengthen a splice site. Advanced modeling of protein sequence and biophysical properties (such as structural, functional, and spatial information, amino acid conservation, physicochemical variation, residue mobility, and thermodynamic stability) performed at Invitae indicates that this missense variant is not expected to disrupt CACNA1A protein function. ClinVar contains an entry for this variant (Variation ID: 391247). This variant is not present in population databases (gnomAD no frequency). This sequence change replaces lysine, which is basic and polar, with arginine, which is basic and polar, at codon 1139 of the CACNA1A protein (p.Lys1139Arg).

GeneDx
Classification: Uncertain significance. Last evaluated: 2016-12-19. Review status: criteria provided, single submitter. Criteria: GeneDx Variant Classification (06012015). Collection method: clinical testing. Allele origin: germline. Affected: yes.
Comment: The K1139R variant in the CACNA1A gene has not been reported previously as a pathogenic variant, nor as a benign variant, to our knowledge. The K1139R variant was not observed in approximately 6000 individuals of European and African American ancestry in the NHLBI Exome Sequencing Project, indicating it is not a common benign variant in these populations. The K1139R variant is a conservative amino acid substitution, which is not likely to impact secondary protein structure as these residues share similar properties. This substitution occurs at a position that is conserved in mammals. In silico analysis is inconsistent in its predictions as to whether or not the variant is damaging to the protein structure/function. As an alternate mechanism, multiple in silico algorithms predict that this sequence change might create a cryptic splice acceptor site in intron 19 which may supplant the natural acceptor site. However, in the absence of RNA/functional studies, the actual effect of this sequence change in this individual is unknown. We interpret K1139R as a variant of uncertain significance.